The following is an entry in ClinVar:

NM_000197.2(HSD17B3):c.645A>T (p.Glu215Asp)

Genes: SLC35D2-HSD17B3 (SLC35D2-HSD17B3 readthrough; minus strand), HSD17B3 (hydroxysteroid 17-beta dehydrogenase 3; minus strand). Cytogenetic location: 9q22.32.
Variant type: single nucleotide variant.
Coding change: c.645A>T on transcript NM_000197.2 (MANE Select); coding-DNA position 645, A replaced by T.
Protein change: p.Glu215Asp; replaces glutamic acid 215 with aspartic acid.
Molecular consequence: missense variant.
Genome position (GRCh38, 1-based): chr9:96,244,356, T>A on the plus strand (A>T on the coding strand, the complement: HSD17B3 is on the minus strand). VCF-style: chr9-96244356-T-A. GRCh37 (hg19) VCF-style: chr9-99006638-T-A.
Other names: c.645A>T (NM_000197.1); short protein forms E215D.
Identifiers: ClinVar variation 2440772 (VCV002440772.11), dbSNP rs115063639, ClinGen allele CA5140317.

ClinVar aggregate classification (germline): Pathogenic/Likely pathogenic. Review status: criteria provided, multiple submitters, no conflicts (2 of 4 stars). 6 submissions from 6 submitters: Pathogenic (4); Likely pathogenic (2). Last evaluated 2025-01-28.

Conditions:
Testosterone 17-beta-dehydrogenase deficiency. Also called: 17-beta hydroxysteroid dehydrogenase 3 deficiency; 17 alpha ketosteroid reductase deficiency of testis; 17 alpha KSR deficiency; Neutral 17 beta hydroxysteroid oxidoreductase deficiency; Male pseudoherma-phroditism with gynecomastia; Pseudohermaphroditism male with gynecomastia. Identifiers: Orphanet 752, MedGen C0268296, MONDO:0009916, OMIM 264300. Disease mechanism: loss of function.

Allele frequency attached by ClinVar (database versions not stated): gnomAD 0.00004; TOPMed 0.00005.
gnomAD v4.1: 164 of 1,614,084 alleles (0.01%); highest among the groups gnomAD compares: Non-Finnish European, 0.013%; no homozygotes.

Submissions (6):

Labcorp Genetics (formerly Invitae), Labcorp
Classification: Pathogenic. Last evaluated: 2025-01-28. Review status: criteria provided, single submitter. Criteria: Invitae Variant Classification Sherloc (09022015). Collection method: clinical testing. Allele origin: germline.
Comment: This sequence change replaces glutamic acid, which is acidic and polar, with aspartic acid, which is acidic and polar, at codon 215 of the HSD17B3 protein (p.Glu215Asp). This variant is present in population databases (rs115063639, gnomAD 0.009%). This missense change has been observed in individual(s) with 17-beta-hydroxysteroid dehydrogenase type 3 deficiency (PMID: 10599740, 17466011, 27163392, 27899157, 30668521). In at least one individual the data is consistent with being in trans (on the opposite chromosome) from a pathogenic variant. ClinVar contains an entry for this variant (Variation ID: 2440772). Invitae Evidence Modeling of protein sequence and biophysical properties (such as structural, functional, and spatial information, amino acid conservation, physicochemical variation, residue mobility, and thermodynamic stability) indicates that this missense variant is expected to disrupt HSD17B3 protein function with a positive predictive value of 80%. For these reasons, this variant has been classified as Pathogenic.

Fulgent Genetics
Classification: Pathogenic for Testosterone 17-beta-dehydrogenase deficiency. Last evaluated: 2024-05-26. Review status: criteria provided, single submitter. Criteria: ACMG Guidelines, 2015. Collection method: clinical testing. Allele origin: germline.

Women's Health and Genetics/Laboratory Corporation of America, LabCorp
Classification: Pathogenic for Testosterone 17-beta-dehydrogenase deficiency. Last evaluated: 2024-05-23. Review status: criteria provided, single submitter. Criteria: LabCorp Variant Classification Summary - May 2015. Collection method: clinical testing. Allele origin: germline.
Comment: Variant summary: HSD17B3 c.645A>T (p.Glu215Asp) results in a conservative amino acid change in the encoded protein sequence. Four of five in-silico tools predict a damaging effect of the variant on protein function. The variant allele was found at a frequency of 4.8e-05 in 251484 control chromosomes. This frequency is not significantly higher than estimated for a pathogenic variant in HSD17B3 causing Testosterone 17-beta-dehydrogenase deficiency, allowing no conclusion about variant significance. c.645A>T has been reported in the literature in multiple individuals affected with Testosterone 17-beta-dehydrogenase deficiency, including homozygotes (Andersson_1996, Mendonca_1999, Lee_2007). These data indicate that the variant is very likely to be associated with disease. At least one publication reports experimental evidence evaluating an impact on protein function. The most pronounced variant effect results in <10% of normal activity (Andersson_1996). The following publications have been ascertained in the context of this evaluation (PMID: 8550739, 17466011, 10022457). ClinVar contains an entry for this variant (Variation ID: 2440772). Based on the evidence outlined above, the variant was classified as pathogenic.

GeneDx
Classification: Pathogenic. Last evaluated: 2023-12-05. Review status: criteria provided, single submitter. Criteria: GeneDx Variant Classification Process June 2021. Collection method: clinical testing. Allele origin: germline. Affected: yes.
Comment: Published functional studies demonstrate a damaging effect with a near complete loss of enzyme activity (PMID: 8550739); In silico analysis supports that this missense variant has a deleterious effect on protein structure/function; This variant is associated with the following publications: (PMID: 10599740, 25298885, 8550739, 34946839, 17466011, 27899157, 36077423, 35134971, 35065919, 33984517, 35432193, 36675662, 30668521, 27163392)

Clinical Biochemistry Laboratory, Health Services Laboratory
Classification: Likely pathogenic for Testosterone 17-beta-dehydrogenase deficiency. Last evaluated: 2023-11-20. Review status: criteria provided, single submitter. Criteria: ACMG Guidelines, 2015. Collection method: clinical testing. Allele origin: germline. Affected: yes.
Comment: ACMG:PM2 PP3 PP4

Revvity Omics, Revvity
Classification: Likely pathogenic for Testosterone 17-beta-dehydrogenase deficiency. Last evaluated: 2021-12-14. Review status: criteria provided, single submitter. Criteria: ACMG Guidelines, 2015. Collection method: clinical testing. Allele origin: germline.

Literature cited by the submitters: PubMed 10599740 (cited by Labcorp Genetics (formerly Invitae), Labcorp); PubMed 17466011 (cited by Labcorp Genetics (formerly Invitae), Labcorp and Women's Health and Genetics/Laboratory Corporation of America, LabCorp); PubMed 27163392 (cited by Labcorp Genetics (formerly Invitae), Labcorp); PubMed 27899157 (cited by Labcorp Genetics (formerly Invitae), Labcorp); PubMed 30668521 (cited by Labcorp Genetics (formerly Invitae), Labcorp); PubMed 8550739 (cited by Women's Health and Genetics/Laboratory Corporation of America, LabCorp); PubMed 10022457 (cited by Women's Health and Genetics/Laboratory Corporation of America, LabCorp).